The following is an entry in ClinVar:

ClinVar aggregate classification (germline): Benign/Likely benign. Review status: criteria provided, multiple submitters, no conflicts (2 of 4 stars). 3 submissions from 3 submitters: Benign (1); Likely benign (2). Last evaluated 2025-01-16.

Conditions:
Familial cancer of breast. Also called: hereditary breast carcinoma; Hereditary breast cancer; BREAST CANCER, FAMILIAL. Identifiers: Orphanet 227535, MedGen C0346153, MONDO:0016419, OMIM 114480. Disease mechanism: loss of function.
Hereditary cancer-predisposing syndrome. Also called: Neoplastic Syndromes, Hereditary; Hereditary neoplastic syndrome; Tumor predisposition; Hereditary Cancer Syndrome. Identifiers: Orphanet 140162, MedGen C0027672, MeSH D009386, MONDO:0015356.

Submissions (3):

Myriad Genetics, Inc.
Classification: Benign for Familial cancer of breast. Last evaluated: 2025-01-16. Review status: criteria provided, single submitter. Criteria: Myriad Autosomal Dominant, Autosomal Recessive and X-Linked Classification Criteria (2023). Collection method: clinical testing. Allele origin: unknown.
Comment: This variant is considered benign. This variant is a silent/synonymous amino acid change and it is not expected to impact splicing.

Ambry Genetics
Classification: Likely benign for Hereditary cancer-predisposing syndrome. Last evaluated: 2024-06-14. Review status: criteria provided, single submitter. Criteria: Ambry Variant Classification Scheme 2023. Collection method: clinical testing. Allele origin: germline.

Labcorp Genetics (formerly Invitae), Labcorp
Classification: Likely benign for Familial cancer of breast. Last evaluated: 2024-04-24. Review status: criteria provided, single submitter. Criteria: Invitae Variant Classification Sherloc (09022015). Collection method: clinical testing. Allele origin: germline.

NM_024675.4(PALB2):c.2364C>A (p.Thr788=)

Gene: PALB2 (partner and localizer of BRCA2; minus strand). Cytogenetic location: 16p12.2.
Variant type: single nucleotide variant.
Coding change: c.2364C>A on transcript NM_024675.4 (MANE Select); coding-DNA position 2364, C replaced by A.
Protein change: p.Thr788=; no amino-acid change (threonine 788 retained).
Molecular consequence: synonymous variant.
Genome position (GRCh38, 1-based): chr16:23,629,790, G>T on the plus strand (C>A on the coding strand, the complement: PALB2 is on the minus strand). VCF-style: chr16-23629790-G-T. GRCh37 (hg19) VCF-style: chr16-23641111-G-T.
Identifiers: ClinVar variation 794816 (VCV000794816.13), dbSNP rs1597089226, ClinGen allele CA494460953.